The following is an entry in ClinVar:

NM_017662.5(TRPM6):c.2769T>C (p.Ala923=)

Gene: TRPM6 (transient receptor potential cation channel subfamily M member 6; minus strand). Cytogenetic location: 9q21.13.
Variant type: single nucleotide variant.
Coding change: c.2769T>C on transcript NM_017662.5 (MANE Select); coding-DNA position 2769, T replaced by C.
Protein change: p.Ala923=; no amino-acid change (alanine 923 retained).
Molecular consequence: synonymous variant.
Genome position (GRCh38, 1-based): chr9:74,786,024, A>G on the plus strand (T>C on the coding strand, the complement: TRPM6 is on the minus strand). VCF-style: chr9-74786024-A-G. GRCh37 (hg19) VCF-style: chr9-77400940-A-G.
Other names: c.2754T>C, p.Ala918= (NM_001177310.2, NM_001177311.2); c.2769T>C (NM_017662.4).
Identifiers: ClinVar variation 3697634 (VCV003697634.3).

ClinVar aggregate classification (germline): Likely benign. Review status: criteria provided, multiple submitters, no conflicts (2 of 4 stars). 2 submissions from 2 submitters: Likely benign (2). Last evaluated 2026-06-22.

Conditions:
TRPM6-related disorder. Also called: TRPM6-related condition.

gnomAD v4.1: 15 of 1,614,250 alleles (0.00093%); highest among the groups gnomAD compares: African/African-American, 0.02%; no homozygotes.

Submissions (2):

PreventionGenetics, part of Exact Sciences
Classification: Likely benign for TRPM6-related condition. Last evaluated: 2026-06-22. Review status: criteria provided, single submitter. Criteria: ACMG Guidelines, 2015. Collection method: clinical testing. Allele origin: germline.
Comment: This variant is classified as likely benign based on ACMG/AMP sequence variant interpretation guidelines (Richards et al. 2015 PMID: 25741868, with internal and published modifications).

Labcorp Genetics (formerly Invitae), Labcorp
Classification: Likely benign. Last evaluated: 2024-10-16. Review status: criteria provided, single submitter. Criteria: Invitae Variant Classification Sherloc (09022015). Collection method: clinical testing. Allele origin: germline.